The following is an entry in ClinVar:

ClinVar aggregate classification (germline): Uncertain significance (1 of 4 stars; one submission).

Conditions:
Pheochromocytoma/paraganglioma syndrome 4. Also called: CAROTID BODY TUMORS AND MULTIPLE EXTRAADRENAL PHEOCHROMOCYTOMAS; SDHB-Related Hereditary Paraganglioma-Pheochromocytoma Syndrome; Paragangliomas 4; SDHB-Related Hereditary Paraganglioma-Pheochromocytoma Syndrome (Paragangliomas 4); PARAGANGLIOMA, FAMILIAL MALIGNANT; PARAGANGLIOMAS, HEREDITARY EXTRAADRENAL. Identifiers: Orphanet 29072, MedGen C1861848, MONDO:0007273, OMIM 115310.
Gastrointestinal stromal tumor. Also called: Gastrointestinal stromal tumor, somatic; Gastrointestinal stroma tumor. Identifiers: Orphanet 44890, MedGen C0238198, MeSH D046152, MONDO:0011719, OMIM 606764, HP:0100723.
Pheochromocytoma. Also called: MAX-Related Hereditary Paraganglioma-Pheochromocytoma Syndrome. Identifiers: Orphanet 29072, MedGen C0031511, MONDO:0008233, OMIM 171300, HP:0002666.

Submission:

Labcorp Genetics (formerly Invitae), Labcorp
Classification: Uncertain significance for Gastrointestinal stromal tumor; Pheochromocytoma/paraganglioma syndrome 4; Pheochromocytoma. Last evaluated: 2025-03-23. Review status: criteria provided, single submitter. Criteria: Invitae Variant Classification Sherloc (09022015). Collection method: clinical testing. Allele origin: germline.
Comment: This sequence change replaces cysteine, which is neutral and slightly polar, with serine, which is neutral and polar, at codon 101 of the SDHB protein (p.Cys101Ser). This variant is not present in population databases (gnomAD no frequency). This missense change has been observed in individuals with clinical features of gastrointestinal stromal tumor syndrome (internal data). ClinVar contains an entry for this variant (Variation ID: 966931). Invitae Evidence Modeling of protein sequence and biophysical properties (such as structural, functional, and spatial information, amino acid conservation, physicochemical variation, residue mobility, and thermodynamic stability) indicates that this missense variant is expected to disrupt SDHB protein function with a positive predictive value of 80%. This variant disrupts the p.Cys101 amino acid residue in SDHB. Other variant(s) that disrupt this residue have been observed in individuals with SDHB-related conditions (PMID: 31492822; internal data), which suggests that this may be a clinically significant amino acid residue. In summary, the available evidence is currently insufficient to determine the role of this variant in disease. Therefore, it has been classified as a Variant of Uncertain Significance.

Literature cited by the submitters: PubMed 31492822.

NM_003000.3(SDHB):c.302G>C (p.Cys101Ser)

Gene: SDHB (succinate dehydrogenase complex iron sulfur subunit B; minus strand). Cytogenetic location: 1p36.13.
Variant type: single nucleotide variant.
Coding change: c.302G>C on transcript NM_003000.3 (MANE Select); coding-DNA position 302, G replaced by C.
Protein change: p.Cys101Ser; replaces cysteine 101 with serine.
Molecular consequence: missense variant.
Genome position (GRCh38, 1-based): chr1:17,028,721, C>G on the plus strand (G>C on the coding strand, the complement: SDHB is on the minus strand). VCF-style: chr1-17028721-C-G. GRCh37 (hg19) VCF-style: chr1-17355216-C-G.
Other names: short protein forms C101S.
Identifiers: ClinVar variation 966931 (VCV000966931.7), dbSNP rs74315371, ClinGen allele CA338275116.